The following is an entry in ClinVar:

NM_001372.4(DNAH9):c.41_65dup (p.Asp22fs)

Gene: DNAH9 (dynein axonemal heavy chain 9; plus strand). Cytogenetic location: 17p12.
Variant type: Duplication.
Coding change: c.41_65dup on transcript NM_001372.4 (MANE Select); coding-DNA positions 41 to 65, 25 bases duplicated (ACGCGGATGGGGAACCCGGCGCCGA).
Protein change: p.Asp22fs; shifts the reading frame from aspartic acid 22.
Molecular consequence: frameshift variant.
Genome position (GRCh38, 1-based): chr17:11,598,539-11,598,563, ACGCGGATGGGGAACCCGGCGCCGA duplicated; duplicating any 25 consecutive bases within chr17:11,598,537-11,598,563 gives the same sequence; the c. name uses the placement nearest the transcript's 3' end. VCF-style (leftmost placement, unchanged base first): chr17-11598536-A-AGAACGCGGATGGGGAACCCGGCGCC. GRCh37 (hg19) VCF-style: chr17-11501853-A-AGAACGCGGATGGGGAACCCGGCGCC.
Other names: short protein forms D22fs.
Identifiers: ClinVar variation 3626282 (VCV003626282.3).
Genomic context (GRCh38, chr17:11,598,536, plus strand): 5'-GATGCAGCTGGAGGCCGCGCGCGATGCGGCTCGCGGAGGAGCGGGCCGCGCTCGCGGCGG[A>AGAACGCGGATGGGGAACCCGGCGCC]GAACGCGGATGGGGAACCCGGCGCCGACCGACGACTGCGACTCCTGGGGACCTACGTGGC-3'

ClinVar aggregate classification (germline): Pathogenic. Review status: criteria provided, multiple submitters, no conflicts (2 of 4 stars). 2 submissions from 2 submitters: Pathogenic (2). Last evaluated 2026-02-25.

Conditions:
Fetal anomalies with a likely genetic cause.

Submissions (2):

Genetics Laboratory, Great Ormond Street Hospital NHS Foundation Trust, North Thames Genomic Laboratory Hub
Classification: Pathogenic for Fetal anomalies with a likely genetic cause. Last evaluated: 2026-02-25. Review status: criteria provided, single submitter. Criteria: ACGS Best Practice Guidelines for Variant Classification in Rare Disease 2024 v1.2. Collection method: clinical testing. Allele origin: germline. Affected: yes.
Comment: PM2_moderate, PVS1_very-strong

Labcorp Genetics (formerly Invitae), Labcorp
Classification: Pathogenic. Last evaluated: 2025-05-15. Review status: criteria provided, single submitter. Criteria: Invitae Variant Classification Sherloc (09022015). Collection method: clinical testing. Allele origin: germline.
Comment: This sequence change creates a premature translational stop signal (p.Asp22Glufs*38) in the DNAH9 gene. It is expected to result in an absent or disrupted protein product. Loss-of-function variants in DNAH9 are known to be pathogenic (PMID: 30471718). This variant is present in population databases (no rsID available, gnomAD 0.004%). This variant has not been reported in the literature in individuals affected with DNAH9-related conditions. ClinVar contains an entry for this variant (Variation ID: 3626282). For these reasons, this variant has been classified as Pathogenic.

Literature cited by the submitters: PubMed 30471718 (cited by Labcorp Genetics (formerly Invitae), Labcorp).